The following is an entry in ClinVar:

NM_001111.5(ADAR):c.892G>A (p.Glu298Lys)

Gene: ADAR (adenosine deaminase RNA specific; minus strand). Cytogenetic location: 1q21.3.
Variant type: single nucleotide variant.
Coding change: c.892G>A on transcript NM_001111.5 (MANE Select); coding-DNA position 892, G replaced by A.
Protein change: p.Glu298Lys; replaces glutamic acid 298 with lysine.
Molecular consequence: missense variant.
Genome position (GRCh38, 1-based): chr1:154,601,750, C>T on the plus strand (G>A on the coding strand, the complement: ADAR is on the minus strand). VCF-style: chr1-154601750-C-T. GRCh37 (hg19) VCF-style: chr1-154574226-C-T.
Other names: c.7G>A, p.Glu3Lys (NM_001025107.3, NM_001193495.2, NM_001365046.1 and 3 more transcripts); c.919G>A, p.Glu307Lys (NM_001365045.1); c.892G>A, p.Glu298Lys (NM_015840.4, NM_015841.4); short protein forms E298K, E307K, E3K.
Identifiers: ClinVar variation 3757370 (VCV003757370.2).
Genomic context (GRCh38, chr1:154,601,750, plus strand): 5'-AATTCAGGGCAGAGGAGTCAGACACATTGAAGAGATAGTCGCAGATTTTCTCCTTGATCT[C>T]GGCCATGTCTAAAAACTCAAGAGGATCTTCCAAGGCAGATGTGGAGTTGCTGTCTTCAGG-3'
Protein context (NP_001102.3, residues 288-308): EDPLEFLDMA[Glu298Lys]IKEKICDYLF

ClinVar aggregate classification (germline): Uncertain significance (1 of 4 stars; one submission).

Conditions:
Symmetrical dyschromatosis of extremities (DSH). Also called: DYSCHROMATOSIS SYMMETRICA HEREDITARIA 1; RETICULATE ACROPIGMENTATION OF DOHI; SYMMETRIC DYSCHROMATOSIS OF THE EXTREMITIES; Dyschromatosis symmetrica hereditaria. Identifiers: Orphanet 41, MedGen C0406775, MONDO:0007483, OMIM 127400.
Aicardi-Goutieres syndrome 6 (AGS6). Identifiers: Orphanet 51, MedGen C3539013, MONDO:0014007, OMIM 615010.

gnomAD v4.1: 8 of 1,614,188 alleles (0.0005%); highest among the groups gnomAD compares: East Asian, 0.0045%; no homozygotes.

Submission:

Labcorp Genetics (formerly Invitae), Labcorp
Classification: Uncertain significance for Aicardi-Goutieres syndrome 6; Symmetrical dyschromatosis of extremities. Last evaluated: 2024-10-28. Review status: criteria provided, single submitter. Criteria: Invitae Variant Classification Sherloc (09022015). Collection method: clinical testing. Allele origin: germline.
Comment: This sequence change replaces glutamic acid, which is acidic and polar, with lysine, which is basic and polar, at codon 298 of the ADAR protein (p.Glu298Lys). This variant is present in population databases (rs755166511, gnomAD 0.006%). This variant has not been reported in the literature in individuals affected with ADAR-related conditions. Invitae Evidence Modeling of protein sequence and biophysical properties (such as structural, functional, and spatial information, amino acid conservation, physicochemical variation, residue mobility, and thermodynamic stability) indicates that this missense variant is not expected to disrupt ADAR protein function with a negative predictive value of 80%. In summary, the available evidence is currently insufficient to determine the role of this variant in disease. Therefore, it has been classified as a Variant of Uncertain Significance.